The following is an entry in ClinVar:

ClinVar aggregate classification (germline): Uncertain significance (1 of 4 stars; one submission).

Submission:

Labcorp Genetics (formerly Invitae), Labcorp
Classification: Uncertain significance. Last evaluated: 2023-08-17. Review status: criteria provided, single submitter. Criteria: Invitae Variant Classification Sherloc (09022015). Collection method: clinical testing. Allele origin: germline.
Comment: ClinVar contains an entry for this variant (Variation ID: 1391241). This variant has not been reported in the literature in individuals affected with C8B-related conditions. This variant is not present in population databases (gnomAD no frequency). This sequence change replaces histidine, which is basic and polar, with arginine, which is basic and polar, at codon 294 of the C8B protein (p.His294Arg). An algorithm developed to predict the effect of missense changes on protein structure and function (PolyPhen-2) suggests that this variant is likely to be tolerated. In summary, the available evidence is currently insufficient to determine the role of this variant in disease. Therefore, it has been classified as a Variant of Uncertain Significance.

NM_000066.4(C8B):c.881A>G (p.His294Arg)

Gene: C8B (complement C8 beta chain; minus strand). Cytogenetic location: 1p32.2.
Variant type: single nucleotide variant.
Coding change: c.881A>G on transcript NM_000066.4 (MANE Select); coding-DNA position 881, A replaced by G.
Protein change: p.His294Arg; replaces histidine 294 with arginine.
Molecular consequence: missense variant.
Genome position (GRCh38, 1-based): chr1:56,946,045, T>C on the plus strand (A>G on the coding strand, the complement: C8B is on the minus strand). VCF-style: chr1-56946045-T-C. GRCh37 (hg19) VCF-style: chr1-57411718-T-C.
Other names: c.725A>G, p.His242Arg (NM_001278543.2); c.695A>G, p.His232Arg (NM_001278544.2); short protein forms H232R, H242R, H294R.
Identifiers: ClinVar variation 1391241 (VCV001391241.6), dbSNP rs2101409170, ClinGen allele CA340528841.
Genomic context (GRCh38, chr1:56,946,045, plus strand): 5'-TGGAGCATGAGGCTTCTGGGTTTCAGCTTGTAATGTGCTACTTCAAGGTCAGAGCGTGCA[T>C]GCAGAAATACGCTTTTCTAAATGAAATACCAACATGGGAAAACCAGACCTTTAAAGTTAG-3'
Protein context (NP_000057.3, residues 284-304): RFSHTKSVFL[His294Arg]ARSDLEVAHY